The following is an entry in ClinVar:

ClinVar aggregate classification (germline): Benign. Review status: criteria provided, single submitter (1 of 4 stars). 2 submissions from 2 submitters: Benign (1). 1 of the submissions does not count toward it. Last evaluated 2025-06-17.

Conditions:
WASHC5-related disorder. Also called: WASHC5-related condition.
Hereditary spastic paraplegia 8 (SPG8). Also called: SPASTIC PARAPLEGIA 8, AUTOSOMAL DOMINANT. Identifiers: Orphanet 100989, MedGen C1863704, MONDO:0011339, OMIM 603563.
Ritscher-Schinzel syndrome. Also called: CRANIOCEREBELLOCARDIAC DYSPLASIA. Identifiers: Orphanet 7, MedGen C0796137, MONDO:0019078.

Allele frequency attached by ClinVar (database versions not stated): ExAC 0.00110; gnomAD 0.00108 and 0.00100; gnomAD exomes 0.00116 and 0.00050; TOPMed 0.00009.
gnomAD v4.1: 882 of 1,613,706 alleles (0.055%); highest among the groups gnomAD compares: African/African-American, 0.016%; 3 homozygotes.

Submissions (2):

Labcorp Genetics (formerly Invitae), Labcorp
Classification: Benign for Ritscher-Schinzel syndrome; Hereditary spastic paraplegia 8. Last evaluated: 2025-06-17. Review status: criteria provided, single submitter. Criteria: Invitae Variant Classification Sherloc (09022015). Collection method: clinical testing. Allele origin: germline.

PreventionGenetics, part of Exact Sciences
Classification: Benign for WASHC5-related condition. Last evaluated: 2019-05-08. Review status: no assertion criteria provided. Collection method: clinical testing. Allele origin: germline. Not counted in ClinVar's aggregate classification.
Comment: This variant is classified as benign based on ACMG/AMP sequence variant interpretation guidelines (Richards et al. 2015 PMID: 25741868, with internal and published modifications).

NM_014846.4(WASHC5):c.1346G>A (p.Arg449Gln)

Gene: WASHC5 (WASH complex subunit 5; minus strand). Cytogenetic location: 8q24.13.
Variant type: single nucleotide variant.
Coding change: c.1346G>A on transcript NM_014846.4 (MANE Select); coding-DNA position 1346, G replaced by A.
Protein change: p.Arg449Gln; replaces arginine 449 with glutamine.
Molecular consequence: missense variant.
Genome position (GRCh38, 1-based): chr8:125,063,584, C>T on the plus strand (G>A on the coding strand, the complement: WASHC5 is on the minus strand). VCF-style: chr8-125063584-C-T. GRCh37 (hg19) VCF-style: chr8-126075826-C-T.
Other names: c.902G>A, p.Arg301Gln (NM_001330609.2); short protein forms R301Q, R449Q.
Identifiers: ClinVar variation 699566 (VCV000699566.12), dbSNP rs202165114, ClinGen allele CA4873861.